The following is an entry in ClinVar:

NM_001040151.2(SCN3B):c.583G>A (p.Ala195Thr)

Gene: SCN3B (sodium voltage-gated channel beta subunit 3; minus strand). Cytogenetic location: 11q24.1.
Variant type: single nucleotide variant.
Coding change: c.583G>A on transcript NM_001040151.2 (MANE Select); coding-DNA position 583, G replaced by A.
Protein change: p.Ala195Thr; replaces alanine 195 with threonine.
Molecular consequence: missense variant.
Genome position (GRCh38, 1-based): chr11:123,638,187, C>T on the plus strand (G>A on the coding strand, the complement: SCN3B is on the minus strand). VCF-style: chr11-123638187-C-T. GRCh37 (hg19) VCF-style: chr11-123508895-C-T.
Other names: c.583G>A, p.Ala195Thr (NM_018400.4); short protein forms A195T.
Identifiers: ClinVar variation 642346 (VCV000642346.25), dbSNP rs375755770, ClinGen allele CA6333986.

ClinVar aggregate classification (germline): Conflicting classifications of pathogenicity. Review status: criteria provided, conflicting classifications (1 of 4 stars). 8 submissions from 8 submitters: Uncertain significance (4); Likely benign (1). 3 of the submissions do not count toward it. Last evaluated 2025-01-29.

Conditions:
Brugada syndrome 7 (BRGDA7). Identifiers: Orphanet 130, MedGen C2751088, MONDO:0013146, OMIM 613120.
Cardiovascular phenotype. Identifiers: MedGen CN230736.

Allele frequency attached by ClinVar (database versions not stated): ExAC 0.00008; ESP Exome Variant Server 0.00008; gnomAD exomes 0.00009 and 0.00035; TOPMed 0.00009; gnomAD 0.00016.
gnomAD v4.1: 530 of 1,613,936 alleles (0.033%); highest among the groups gnomAD compares: Non-Finnish European, 0.044%; no homozygotes.

Submissions (8):

Labcorp Genetics (formerly Invitae), Labcorp
Classification: Uncertain significance for Brugada syndrome 7. Last evaluated: 2025-01-29. Review status: criteria provided, single submitter. Criteria: Invitae Variant Classification Sherloc (09022015). Collection method: clinical testing. Allele origin: germline.
Comment: This sequence change replaces alanine, which is neutral and non-polar, with threonine, which is neutral and polar, at codon 195 of the SCN3B protein (p.Ala195Thr). This variant is present in population databases (rs375755770, gnomAD 0.03%). This missense change has been observed in individual(s) with long QT syndrome or sudden unexplained death (PMID: 24529773, 30847666). ClinVar contains an entry for this variant (Variation ID: 642346). An algorithm developed to predict the effect of missense changes on protein structure and function (PolyPhen-2) suggests that this variant is likely to be disruptive. In summary, the available evidence is currently insufficient to determine the role of this variant in disease. Therefore, it has been classified as a Variant of Uncertain Significance.

GeneDx
Classification: Uncertain significance. Last evaluated: 2024-10-29. Review status: criteria provided, single submitter. Criteria: GeneDx Variant Classification Process June 2021. Collection method: clinical testing. Allele origin: germline. Affected: yes.
Comment: In silico analysis indicates that this missense variant does not alter protein structure/function; Variants in candidate genes are classified as variants of uncertain significance in accordance with ACMG guidelines (PMID: 25741868); This variant is associated with the following publications: (PMID: 24529773, 30847666)

Ambry Genetics
Classification: Likely benign for Cardiovascular phenotype. Last evaluated: 2023-10-20. Review status: criteria provided, single submitter. Criteria: Ambry Variant Classification Scheme 2023. Collection method: clinical testing. Allele origin: germline.

Fulgent Genetics
Classification: Uncertain significance for Brugada syndrome 7. Last evaluated: 2022-04-28. Review status: criteria provided, single submitter. Criteria: ACMG Guidelines, 2015. Collection method: clinical testing. Allele origin: unknown.

ARUP Laboratories, Molecular Genetics and Genomics, ARUP Laboratories
Classification: Uncertain significance. Last evaluated: 2018-09-18. Review status: criteria provided, single submitter. Criteria: ARUP Molecular Germline Variant Investigation Process. Collection method: clinical testing. Allele origin: germline.
Comment: The SCN3B c.583G>A; p.Ala195Thr variant (rs375755770), is reported in the literature in an individual case of sudden unexplained nocturnal death syndrome (Liu 2014). This variant is found in the East Asian population with an overall allele frequency of 0.027% (5/18868 alleles) in the Genome Aggregation Database. The alanine at codon 195 is highly conserved, and computational analyses (SIFT, PolyPhen-2) predict that this variant is deleterious. However, due to limited information, the clinical significance of the p.Ala195Thr variant is uncertain at this time. References: Liu C et al. Is sudden unexplained nocturnal death syndrome in Southern China a cardiac sodium channel dysfunction disorder? Forensic Sci Int. 2014 Mar;236:38-45.

Clinical Genetics, Academic Medical Center
Classification: Uncertain significance. Review status: no assertion criteria provided. Collection method: clinical testing. Allele origin: germline. Affected: yes. Study: VKGL Data-share Consensus. Not counted in ClinVar's aggregate classification.

Genome Diagnostics Laboratory, University Medical Center Utrecht
Classification: Uncertain significance. Review status: no assertion criteria provided. Collection method: clinical testing. Allele origin: germline. Affected: yes. Study: VKGL Data-share Consensus. Not counted in ClinVar's aggregate classification.

Joint Genome Diagnostic Labs from Nijmegen and Maastricht, Radboudumc and MUMC+
Classification: Uncertain significance. Review status: no assertion criteria provided. Collection method: clinical testing. Allele origin: germline. Affected: yes. Study: VKGL Data-share Consensus. Not counted in ClinVar's aggregate classification.

Literature cited by the submitters: PubMed 24529773 (cited by Labcorp Genetics (formerly Invitae), Labcorp and Ambry Genetics); PubMed 30847666 (cited by Labcorp Genetics (formerly Invitae), Labcorp and Ambry Genetics).